The following is an entry in ClinVar:

ClinVar aggregate classification (germline): Pathogenic (1 of 4 stars; one submission).

Submission:

Labcorp Genetics (formerly Invitae), Labcorp
Classification: Pathogenic. Last evaluated: 2026-01-16. Review status: criteria provided, single submitter. Criteria: Invitae Variant Classification Sherloc (09022015). Collection method: clinical testing. Allele origin: germline.
Comment: This sequence change creates a premature translational stop signal (p.Gln646*) in the KIF14 gene. It is expected to result in an absent or disrupted protein product. Loss-of-function variants in KIF14 are known to be pathogenic (PMID: 23308235, 29343805, 30388224). This variant is not present in population databases (gnomAD no frequency). This variant has not been reported in the literature in individuals affected with KIF14-related conditions. Algorithms developed to predict the effect of sequence changes on RNA splicing suggest that this variant may disrupt the consensus splice site. For these reasons, this variant has been classified as Pathogenic.

Literature cited by the submitters: PubMed 23308235; PubMed 29343805; PubMed 30388224.

NM_014875.3(KIF14):c.1936C>T (p.Gln646Ter)

Gene: KIF14 (kinesin family member 14; minus strand). Cytogenetic location: 1q32.1.
Variant type: single nucleotide variant.
Coding change: c.1936C>T on transcript NM_014875.3 (MANE Select); coding-DNA position 1936, C replaced by T.
Protein change: p.Gln646Ter; replaces glutamine 646 with a stop codon.
Molecular consequence: nonsense.
Genome position (GRCh38, 1-based): chr1:200,603,269, G>A on the plus strand (C>T on the coding strand, the complement: KIF14 is on the minus strand). VCF-style: chr1-200603269-G-A. GRCh37 (hg19) VCF-style: chr1-200572397-G-A.
Other names: c.463C>T, p.Gln155Ter (NM_001305792.1); short protein forms Q155*, Q646*.
Identifiers: ClinVar variation 4735470 (VCV004735470.1).